The following is an entry in ClinVar:

NM_001267550.2(TTN):c.107093T>A (p.Leu35698His)

Genes: TTN (titin; minus strand), TTN-AS1 (TTN antisense RNA 1; plus strand). Cytogenetic location: 2q31.2.
Variant type: single nucleotide variant.
Coding change: c.107093T>A on transcript NM_001267550.2 (MANE Select); coding-DNA position 107093, T replaced by A.
Protein change: p.Leu35698His; replaces leucine 35698 with histidine.
Molecular consequence: missense variant.
Genome position (GRCh38, 1-based): chr2:178,528,658, A>T on the plus strand (T>A on the coding strand, the complement: TTN is on the minus strand). VCF-style: chr2-178528658-A-T. GRCh37 (hg19) VCF-style: chr2-179393385-A-T.
Other names: c.102170T>A, p.Leu34057His (NM_001256850.1); c.79898T>A, p.Leu26633His (NM_003319.4); c.99389T>A, p.Leu33130His (NM_133378.4); c.80273T>A, p.Leu26758His (NM_133432.3); c.80474T>A, p.Leu26825His (NM_133437.4); short protein forms L26758H, L35698H, L33130H, L34057H, L26633H, L26825H.
Identifiers: ClinVar variation 2945492 (VCV002945492.3), dbSNP rs794729570, ClinGen allele CA349401955.

ClinVar aggregate classification (germline): Uncertain significance (1 of 4 stars; one submission).

Conditions:
Dilated cardiomyopathy 1G (CMD1G). Identifiers: Orphanet 154, MedGen C1858763, MONDO:0011400, OMIM 604145.
Autosomal recessive limb-girdle muscular dystrophy type 2J (LGMDR10). Also called: Limb-girdle muscular dystrophy, type 2J; MUSCULAR DYSTROPHY, LIMB-GIRDLE, AUTOSOMAL RECESSIVE 10. Identifiers: Orphanet 140922, MedGen C1837342, MONDO:0012127, OMIM 608807.

Submission:

Labcorp Genetics (formerly Invitae), Labcorp
Classification: Uncertain significance for Dilated cardiomyopathy 1G; Autosomal recessive limb-girdle muscular dystrophy type 2J. Last evaluated: 2023-03-19. Review status: criteria provided, single submitter. Criteria: Invitae Variant Classification Sherloc (09022015). Collection method: clinical testing. Allele origin: germline.
Comment: This variant is located in the M band of TTN (PMID: 25589632). Variants in this region may be relevant for neuromuscular disorders, but have not been definitively shown to cause cardiomyopathy (PMID: 23975875). In summary, the available evidence is currently insufficient to determine the role of this variant in disease. Therefore, it has been classified as a Variant of Uncertain Significance. Experimental studies and prediction algorithms are not available or were not evaluated, and the functional significance of this variant is currently unknown. This variant has not been reported in the literature in individuals affected with TTN-related conditions. This variant is not present in population databases (gnomAD no frequency). This sequence change replaces leucine, which is neutral and non-polar, with histidine, which is basic and polar, at codon 35698 of the TTN protein (p.Leu35698His).

Literature cited by the submitters: PubMed 25589632; PubMed 23975875.